The following is an entry in ClinVar:

ClinVar aggregate classification (germline): Likely benign. Review status: criteria provided, multiple submitters, no conflicts (2 of 4 stars). 4 submissions from 4 submitters: Likely benign (3). 1 of the submissions does not count toward it. Last evaluated 2025-11-01.

Conditions:
Rubinstein-Taybi syndrome due to EP300 haploinsufficiency. Also called: EP300-Related Rubinstein-Taybi Syndrome; RUBINSTEIN-TAYBI SYNDROME 2. Identifiers: Orphanet 353284, Orphanet 783, MedGen C3150941, MONDO:0013364, OMIM 613684.
EP300-related disorder. Also called: EP300-related condition; EP300-related disorders.

Allele frequency attached by ClinVar (database versions not stated): gnomAD 0.00001; gnomAD exomes 0.00001 and 0.00002; TOPMed 0.00001; ExAC 0.00002.
gnomAD v4.1: 24 of 1,613,912 alleles (0.0015%); highest among the groups gnomAD compares: Middle Eastern, 0.033%; no homozygotes.

Submissions (4):

CeGaT Center for Human Genetics Tuebingen
Classification: Likely benign. Last evaluated: 2025-11-01. Review status: criteria provided, single submitter. Criteria: CeGaT Center For Human Genetics Tuebingen Variant Classification Criteria Version 2. Collection method: clinical testing. Allele origin: germline. Affected: yes. Observed: 1 variant allele.
Comment: EP300: BP4, BP7

Labcorp Genetics (formerly Invitae), Labcorp
Classification: Likely benign for Rubinstein-Taybi syndrome due to EP300 haploinsufficiency. Last evaluated: 2024-01-04. Review status: criteria provided, single submitter. Criteria: Invitae Variant Classification Sherloc (09022015). Collection method: clinical testing. Allele origin: germline.

Breakthrough Genomics
Classification: Likely benign. Review status: criteria provided, single submitter. Criteria: ACMG Guidelines, 2015. Collection method: not provided. Allele origin: germline. Inheritance: Autosomal dominant inheritance. Affected: yes.

PreventionGenetics, part of Exact Sciences
Classification: Likely benign for EP300-related condition. Last evaluated: 2021-11-18. Review status: no assertion criteria provided. Collection method: clinical testing. Allele origin: germline. Not counted in ClinVar's aggregate classification.
Comment: This variant is classified as likely benign based on ACMG/AMP sequence variant interpretation guidelines (Richards et al. 2015 PMID: 25741868, with internal and published modifications).

NM_001429.4(EP300):c.2145T>C (p.Phe715=)

Gene: EP300 (EP300 lysine acetyltransferase; plus strand). Cytogenetic location: 22q13.2.
Variant type: single nucleotide variant.
Coding change: c.2145T>C on transcript NM_001429.4 (MANE Select); coding-DNA position 2145, T replaced by C.
Protein change: p.Phe715=; no amino-acid change (phenylalanine 715 retained).
Molecular consequence: synonymous variant.
Genome position (GRCh38, 1-based): chr22:41,147,850, T>C. VCF-style: chr22-41147850-T-C. GRCh37 (hg19) VCF-style: chr22-41543854-T-C.
Other names: c.2067T>C, p.Phe689= (NM_001362843.2).
Identifiers: ClinVar variation 726581 (VCV000726581.17), dbSNP rs750344330, ClinGen allele CA10252764.